The following is an entry in ClinVar:

NM_032638.5(GATA2):c.*546C>T

Gene: GATA2 (GATA binding protein 2; minus strand). Cytogenetic location: 3q21.3.
Variant type: single nucleotide variant.
Coding change: c.*546C>T on transcript NM_032638.5 (MANE Select); 546 bases downstream of the stop codon, C replaced by T.
Molecular consequence: 3 prime UTR variant.
Genome position (GRCh38, 1-based): chr3:128,480,473, G>A on the plus strand (C>T on the coding strand, the complement: GATA2 is on the minus strand). VCF-style: chr3-128480473-G-A. GRCh37 (hg19) VCF-style: chr3-128199316-G-A.
Other names: c.*546C>T (NM_001145661.2, NM_001145662.1).
Identifiers: ClinVar variation 343120 (VCV000343120.6), dbSNP rs45463801, ClinGen allele CA10617146.

ClinVar aggregate classification (germline): Benign. Review status: criteria provided, multiple submitters, no conflicts (2 of 4 stars). 2 submissions from 2 submitters: Benign (2). Last evaluated 2018-01-13.

Conditions:
Deafness-lymphedema-leukemia syndrome. Also called: Lymphedema, primary, with myelodysplasia; Emberger syndrome. Identifiers: Orphanet 3226, MedGen C3279664, MONDO:0013540, OMIM 614038.

Allele frequency attached by ClinVar (database versions not stated): gnomAD 0.03064 and 0.02933; gnomAD exomes 0.04301; 1000 Genomes Project 30x 0.04076; 1000 Genomes Project 0.04054; TOPMed 0.03455.
gnomAD v4.1: 8,348 of 238,984 alleles (3.5%); highest among the groups gnomAD compares: East Asian, 8%; 182 homozygotes.

Submissions (2):

Illumina Laboratory Services, Illumina
Classification: Benign for Deafness-lymphedema-leukemia syndrome. Last evaluated: 2018-01-13. Review status: criteria provided, single submitter. Criteria: ICSL Variant Classification Criteria 13 December 2019. Collection method: clinical testing. Allele origin: germline.
Comment: This variant was observed in the ICSL laboratory as part of a predisposition screen in an ostensibly healthy population. It had not been previously curated by ICSL or reported in the Human Gene Mutation Database (HGMD: prior to June 1st, 2018), and was therefore a candidate for classification through an automated scoring system. Utilizing variant allele frequency, disease prevalence and penetrance estimates, and inheritance mode, an automated score was calculated to assess if this variant is too frequent to cause the disease. Based on the score and internal cut-off values, a variant classified as benign is not then subjected to further curation. The score for this variant resulted in a classification of benign for this disease.

Breakthrough Genomics
Classification: Benign. Review status: criteria provided, single submitter. Criteria: ACMG Guidelines, 2015. Collection method: not provided. Allele origin: germline. Inheritance: Autosomal dominant inheritance. Affected: yes.